The following is an entry in ClinVar:

NM_058216.3(RAD51C):c.527G>T (p.Cys176Phe)

Gene: RAD51C (RAD51 paralog C; plus strand). Cytogenetic location: 17q22.
Variant type: single nucleotide variant.
Coding change: c.527G>T on transcript NM_058216.3 (MANE Select); coding-DNA position 527, G replaced by T.
Protein change: p.Cys176Phe; replaces cysteine 176 with phenylalanine.
Molecular consequence: missense variant.
Genome position (GRCh38, 1-based): chr17:58,696,815, G>T. VCF-style: chr17-58696815-G-T. GRCh37 (hg19) VCF-style: chr17-56774176-G-T.
Other names: short protein forms C176F.
Identifiers: ClinVar variation 1746557 (VCV001746557.2), dbSNP rs2143748469, ClinGen allele CA400345167.
Genomic context (GRCh38, chr17:58,696,815, plus strand): 5'-TTTTTATTGATACAGAGGGAAGTTTTATGGTTGATAGAGTGGTAGACCTTGCTACTGCCT[G>T]CATTCAGCACCTTCAGCTTATAGCAGAAAAACACAAGGGAGAGGGTAAGTTAGTAAATGA-3'
Protein context (NP_478123.1, residues 166-186): VDRVVDLATA[Cys176Phe]IQHLQLIAEK

ClinVar aggregate classification (germline): Uncertain significance (1 of 4 stars; one submission).

Conditions:
Hereditary cancer-predisposing syndrome. Also called: Hereditary Cancer Syndrome; Neoplastic Syndromes, Hereditary; Tumor predisposition; Hereditary neoplastic syndrome. Identifiers: Orphanet 140162, MedGen C0027672, MeSH D009386, MONDO:0015356.

Allele frequency attached by ClinVar (database versions not stated): gnomAD exomes below 0.00001.
gnomAD v4.1: 2 of 1,614,182 alleles (0.00012%); highest among the groups gnomAD compares: African/African-American, 0.0013%; no homozygotes.

Submission:

Ambry Genetics
Classification: Uncertain significance for Hereditary cancer-predisposing syndrome. Last evaluated: 2021-04-06. Review status: criteria provided, single submitter. Criteria: Ambry Variant Classification Scheme 2023. Collection method: clinical testing. Allele origin: germline.
Comment: The p.C176F variant (also known as c.527G>T), located in coding exon 3 of the RAD51C gene, results from a G to T substitution at nucleotide position 527. The cysteine at codon 176 is replaced by phenylalanine, an amino acid with highly dissimilar properties. This amino acid position is well conserved in available vertebrate species. In addition, the in silico prediction for this alteration is inconclusive. Since supporting evidence is limited at this time, the clinical significance of this alteration remains unclear.